The following is an entry in ClinVar:

ClinVar aggregate classification (germline): Uncertain significance (1 of 4 stars; one submission).

Allele frequency attached by ClinVar (database versions not stated): gnomAD exomes below 0.00001; ExAC 0.00001; gnomAD 0.00001; 1000 Genomes Project 30x 0.00016.

Submission:

Labcorp Genetics (formerly Invitae), Labcorp
Classification: Uncertain significance. Last evaluated: 2022-04-28. Review status: criteria provided, single submitter. Criteria: Invitae Variant Classification Sherloc (09022015). Collection method: clinical testing. Allele origin: germline.
Comment: This variant has not been reported in the literature in individuals affected with LARP7-related conditions. Variants that disrupt the consensus splice site are a relatively common cause of aberrant splicing (PMID: 17576681, 9536098). Algorithms developed to predict the effect of sequence changes on RNA splicing suggest that this variant may disrupt the consensus splice site. In summary, the available evidence is currently insufficient to determine the role of this variant in disease. Therefore, it has been classified as a Variant of Uncertain Significance. This variant is present in population databases (rs758212893, gnomAD 0.006%). This sequence change falls in intron 5 of the LARP7 gene. It does not directly change the encoded amino acid sequence of the LARP7 protein. It affects a nucleotide within the consensus splice site.

Literature cited by the submitters: PubMed 17576681; PubMed 9536098.

NM_016648.4(LARP7):c.552+2dup

Genes: LARP7 (La ribonucleoprotein 7, transcriptional regulator; plus strand), MIR302CHG (miR-302/367 cluster host gene; minus strand). Cytogenetic location: 4q25.
Variant type: Duplication.
Coding change: c.552+2dup on transcript NM_016648.4 (MANE Select); the canonical splice donor site of the intron after coding-DNA position 552, one base duplicated (T; older notation c.552+2dupT).
Molecular consequence: splice donor variant. On other transcripts: non-coding transcript variant (3).
Genome position (GRCh38, 1-based): chr4:112,646,957, T duplicated. VCF-style (leftmost placement, unchanged base first): chr4-112646956-G-GT. GRCh37 (hg19) VCF-style: chr4-113568112-G-GT.
Other names: c.552+2dup (NM_001267039.4, NM_001370974.1, NM_001370976.1 and 6 more transcripts); c.315+2dup (NM_001370982.1, NM_001370981.1).
Identifiers: ClinVar variation 1974027 (VCV001974027.5), dbSNP rs758212893, ClinGen allele CA3049123.